The following is an entry in ClinVar:

ClinVar aggregate classification (germline): Benign. Review status: criteria provided, multiple submitters, no conflicts (2 of 4 stars). 2 submissions from 2 submitters: Benign (2). Last evaluated 2025-08-30.

Submissions (2):

Labcorp Genetics (formerly Invitae), Labcorp
Classification: Benign. Last evaluated: 2025-08-30. Review status: criteria provided, single submitter. Criteria: Invitae Variant Classification Sherloc (09022015). Collection method: clinical testing. Allele origin: germline.

Laboratory for Molecular Medicine, Mass General Brigham Personalized Medicine
Classification: Benign. Last evaluated: 2017-08-23. Review status: criteria provided, single submitter. Criteria: LMM Criteria. Collection method: clinical testing. Allele origin: germline. Observed: 1 variant allele.
Comment: c.1434+14delT in intron 14 of EPS8: This variant is not expected to have clinica l significance because it has been identified in 1.09% (92/8476) of African chro mosomes by the Exome Aggregation Consortium (ExAC, g; dbSNP rs758744034).

NM_004447.6(EPS8):c.1434+14del

Gene: EPS8 (EGFR pathway substrate 8, signaling adaptor; minus strand). Cytogenetic location: 12p12.3.
Variant type: Deletion.
Coding change: c.1434+14del on transcript NM_004447.6 (MANE Select); 14 bases into the intron after coding-DNA position 1434, one base deleted (T; older notation c.1434+14delT).
Molecular consequence: intron variant.
Genome position (GRCh38, 1-based): chr12:15,650,809, A deleted on the plus strand (T on the coding strand, the reverse complement: EPS8 is on the minus strand); the first of 10 consecutive A bases (chr12:15,650,809-15,650,818); deleting any one gives the same sequence. VCF-style (leftmost placement, unchanged base first): chr12-15650808-TA-T. GRCh37 (hg19) VCF-style: chr12-15803742-TA-T.
Identifiers: ClinVar variation 667047 (VCV000667047.11), dbSNP rs750651749, ClinGen allele CA6467576.